The following is an entry in ClinVar:

NM_206933.4(USH2A):c.14939C>T (p.Thr4980Ile)

Gene: USH2A (usherin; minus strand). Cytogenetic location: 1q41.
Variant type: single nucleotide variant.
Coding change: c.14939C>T on transcript NM_206933.4 (MANE Select); coding-DNA position 14939, C replaced by T.
Protein change: p.Thr4980Ile; replaces threonine 4980 with isoleucine.
Molecular consequence: missense variant.
Genome position (GRCh38, 1-based): chr1:215,640,587, G>A on the plus strand (C>T on the coding strand, the complement: USH2A is on the minus strand). VCF-style: chr1-215640587-G-A. GRCh37 (hg19) VCF-style: chr1-215813929-G-A.
Other names: short protein forms T4980I.
Identifiers: ClinVar variation 1001164 (VCV001001164.8), dbSNP rs1656642884, ClinGen allele CA344827666.
Genomic context (GRCh38, chr1:215,640,587, plus strand): 5'-CCACACTGAGAAACAGGAGTCAGAAACTAACTTTTGTCCGCCGTTCTCGGTATGTAGAGG[G>A]TGGTGTCCAAGCCGCTGTACACGCGTCGCCCTCCGTCGGTTAACACGTACTCCTTCAGTT-3'
Protein context (NP_996816.3, residues 4970-4990): GRRVYSGLDT[Thr4980Ile]LYIPRTADKT

ClinVar aggregate classification (germline): Uncertain significance (1 of 4 stars; one submission).

Submission:

Labcorp Genetics (formerly Invitae), Labcorp
Classification: Uncertain significance. Last evaluated: 2020-03-03. Review status: criteria provided, single submitter. Criteria: Invitae Variant Classification Sherloc (09022015). Collection method: clinical testing. Allele origin: germline.
Comment: This sequence change replaces threonine with isoleucine at codon 4980 of the USH2A protein (p.Thr4980Ile). The threonine residue is highly conserved and there is a moderate physicochemical difference between threonine and isoleucine. This variant is not present in population databases (ExAC no frequency). This variant has not been reported in the literature in individuals with USH2A-related conditions. Algorithms developed to predict the effect of missense changes on protein structure and function output the following: SIFT: "Deleterious"; PolyPhen-2: "Benign"; Align-GVGD: "Class C0". The isoleucine amino acid residue is found in multiple mammalian species, suggesting that this missense change does not adversely affect protein function. These predictions have not been confirmed by published functional studies and their clinical significance is uncertain. In summary, the available evidence is currently insufficient to determine the role of this variant in disease. Therefore, it has been classified as a Variant of Uncertain Significance.